The following is an entry in ClinVar:

ClinVar aggregate classification (germline): Likely pathogenic (1 of 4 stars; one submission).

Conditions:
Glycine encephalopathy. Also called: Nonketotic hyperglycinemia; Non-ketotic hyperglycinemia. Identifiers: Orphanet 407, MedGen C0751748, MONDO:0011612, HP:0008288.

Submission:

Labcorp Genetics (formerly Invitae), Labcorp
Classification: Likely pathogenic for Glycine encephalopathy. Last evaluated: 2023-08-29. Review status: criteria provided, single submitter. Criteria: Invitae Variant Classification Sherloc (09022015). Collection method: clinical testing. Allele origin: unknown.
Comment: This variant results in a copy number gain of the genomic region encompassing exon(s) 16-21 of the GLDC gene. While the exact position of this variant cannot be determined from the data, sub-genic copy number gains are generally in tandem (PMID: 25640679). This variant is predicted to be out-of-frame, and may result in an absent or disrupted protein product. Loss-of-function variants in GLDC are known to be pathogenic (PMID: 16601880). This variant has not been reported in the literature in individuals affected with GLDC-related conditions. In summary, the currently available evidence indicates that the variant is pathogenic, but additional data are needed to prove that conclusively. Therefore, this variant has been classified as Likely Pathogenic.

Literature cited by the submitters: PubMed 25640679; PubMed 16601880.

NC_000009.11:g.(?_6550783)_(6565449_?)dup

Gene: GLDC (glycine decarboxylase; minus strand). Cytogenetic location: 9p24.1.
Variant type: Duplication.
Identifiers: ClinVar variation 3245160 (VCV003245160.1).